The following is an entry in ClinVar:

ClinVar aggregate classification (germline): Uncertain significance. Review status: criteria provided, multiple submitters, no conflicts (2 of 4 stars). 3 submissions from 3 submitters: Uncertain significance (3). Last evaluated 2025-09-08.

Conditions:
Inborn genetic diseases. Identifiers: MedGen C0950123, MeSH D030342.
Deficiency of cytochrome-b5 reductase. Also called: METHEMOGLOBINEMIA, CONGENITAL, AUTOSOMAL RECESSIVE; NADH-DEPENDENT METHEMOGLOBIN REDUCTASE DEFICIENCY. Identifiers: Orphanet 621, MedGen C0268193, MONDO:0009606, OMIM 250800.

Allele frequency attached by ClinVar (database versions not stated): TOPMed 0.00004; ExAC 0.00008; ESP Exome Variant Server 0.00008; gnomAD 0.00008.
gnomAD v4.1: 78 of 1,613,844 alleles (0.0048%); highest among the groups gnomAD compares: Admixed American, 0.005%; no homozygotes.

Submissions (3):

Ambry Genetics
Classification: Uncertain significance for Inborn genetic diseases. Last evaluated: 2025-09-08. Review status: criteria provided, single submitter. Criteria: Ambry Variant Classification Scheme 2023. Collection method: clinical testing. Allele origin: germline.

Revvity Omics, Revvity
Classification: Uncertain significance for Deficiency of cytochrome-b5 reductase. Last evaluated: 2022-09-30. Review status: criteria provided, single submitter. Criteria: ACMG Guidelines, 2015. Collection method: clinical testing. Allele origin: germline.

Labcorp Genetics (formerly Invitae), Labcorp
Classification: Uncertain significance. Last evaluated: 2022-05-25. Review status: criteria provided, single submitter. Criteria: Invitae Variant Classification Sherloc (09022015). Collection method: clinical testing. Allele origin: germline.
Comment: This sequence change replaces serine, which is neutral and polar, with arginine, which is basic and polar, at codon 21 of the CYB5R3 protein (p.Ser21Arg). This variant is present in population databases (rs370253340, gnomAD 0.02%). This missense change has been observed in individual(s) with methaemoglobinaemia (PMID: 18318771, 21349748). This variant is also known as p.Ser54Arg. Algorithms developed to predict the effect of missense changes on protein structure and function (SIFT, PolyPhen-2, Align-GVGD) all suggest that this variant is likely to be tolerated. In summary, the available evidence is currently insufficient to determine the role of this variant in disease. Therefore, it has been classified as a Variant of Uncertain Significance.

Literature cited by the submitters: PubMed 18318771 (cited by Labcorp Genetics (formerly Invitae), Labcorp); PubMed 21349748 (cited by Labcorp Genetics (formerly Invitae), Labcorp).

NM_000398.7(CYB5R3):c.63T>A (p.Ser21Arg)

Gene: CYB5R3 (cytochrome b5 reductase 3; minus strand). Cytogenetic location: 22q13.2.
Variant type: single nucleotide variant.
Coding change: c.63T>A on transcript NM_000398.7 (MANE Select); coding-DNA position 63, T replaced by A.
Protein change: p.Ser21Arg; replaces serine 21 with arginine.
Molecular consequence: missense variant. On other transcripts: 5 prime UTR variant (3).
Genome position (GRCh38, 1-based): chr22:42,636,805, A>T on the plus strand (T>A on the coding strand, the complement: CYB5R3 is on the minus strand). VCF-style: chr22-42636805-A-T. GRCh37 (hg19) VCF-style: chr22-43032811-A-T.
Other names: c.63T>A, p.Ser21Arg (NM_001031678.1); c.-7T>A (NM_001129819.2, NM_001171661.1, NM_007326.4); c.162T>A, p.Ser54Arg (NM_001171660.2); c.63T>A (NM_000398.6); short protein forms S21R, S54R.
Identifiers: ClinVar variation 2185889 (VCV002185889.6), dbSNP rs370253340, ClinGen allele CA10269928.